The following is an entry in ClinVar:

ClinVar aggregate classification (germline): Uncertain significance (1 of 4 stars; one submission).

gnomAD v4.1: 4 of 1,613,916 alleles (0.00025%); highest among the groups gnomAD compares: Admixed American, 0.0017%; no homozygotes.

Submission:

Labcorp Genetics (formerly Invitae), Labcorp
Classification: Uncertain significance. Last evaluated: 2026-02-03. Review status: criteria provided, single submitter. Criteria: Invitae Variant Classification Sherloc (09022015). Collection method: clinical testing. Allele origin: germline.
Comment: This sequence change replaces valine, which is neutral and non-polar, with alanine, which is neutral and non-polar, at codon 223 of the GABRB1 protein (p.Val223Ala). This variant is present in population databases (no rsID available, gnomAD 0.007%). This variant has not been reported in the literature in individuals affected with GABRB1-related conditions. Invitae Evidence Modeling of protein sequence and biophysical properties (such as structural, functional, and spatial information, amino acid conservation, physicochemical variation, residue mobility, and thermodynamic stability) indicates that this missense variant is not expected to disrupt GABRB1 protein function with a negative predictive value of 80%. In summary, the available evidence is currently insufficient to determine the role of this variant in disease. Therefore, it has been classified as a Variant of Uncertain Significance.

NM_000812.4(GABRB1):c.668T>C (p.Val223Ala)

Gene: GABRB1 (gamma-aminobutyric acid type A receptor subunit beta1; plus strand). Cytogenetic location: 4p12.
Variant type: single nucleotide variant.
Coding change: c.668T>C on transcript NM_000812.4 (MANE Select); coding-DNA position 668, T replaced by C.
Protein change: p.Val223Ala; replaces valine 223 with alanine.
Molecular consequence: missense variant.
Genome position (GRCh38, 1-based): chr4:47,403,441, T>C. VCF-style: chr4-47403441-T-C. GRCh37 (hg19) VCF-style: chr4-47405458-T-C.
Other names: short protein forms V223A.
Identifiers: ClinVar variation 4781608 (VCV004781608.1).
Genomic context (GRCh38, chr4:47,403,441, plus strand): 5'-TTAATAAAATCGAACTTCCTCAATTTTCAATTGTTGACTACAAGATGGTGTCTAAGAAGG[T>C]GGAGTTCACAACAGGTGAGGTTGTTTCCCCCAAAATGTACTAGGGGTGCTGTGAAAGGAA-3'
Protein context (NP_000803.2, residues 213-233): IVDYKMVSKK[Val223Ala]EFTTGAYPRL